The following is an entry in ClinVar:

NM_032656.4(DHX37):c.3086G>C (p.Arg1029Pro)

Gene: DHX37 (DEAH-box helicase 37; minus strand). Cytogenetic location: 12q24.31.
Variant type: single nucleotide variant.
Coding change: c.3086G>C on transcript NM_032656.4 (MANE Select); coding-DNA position 3086, G replaced by C.
Protein change: p.Arg1029Pro; replaces arginine 1029 with proline.
Molecular consequence: missense variant.
Genome position (GRCh38, 1-based): chr12:124,950,448, C>G on the plus strand (G>C on the coding strand, the complement: DHX37 is on the minus strand). VCF-style: chr12-124950448-C-G. GRCh37 (hg19) VCF-style: chr12-125434994-C-G.
Other names: short protein forms R1029P.
Identifiers: ClinVar variation 2599923 (VCV002599923.4), dbSNP rs765324771, ClinGen allele CA6871373.

ClinVar aggregate classification (germline): Uncertain significance. Review status: criteria provided, multiple submitters, no conflicts (2 of 4 stars). 2 submissions from 2 submitters: Uncertain significance (2). Last evaluated 2025-12-20.

Conditions:
Inborn genetic diseases. Identifiers: MedGen C0950123, MeSH D030342.
Neurodevelopmental disorder with brain anomalies and with or without vertebral or cardiac anomalies. Identifiers: MedGen C5231481, MONDO:0032888, OMIM 618731.

Submissions (2):

Dasa
Classification: Uncertain significance for neurodevelopmental disorder with brain anomalies and with or without vertebral or cardiac anomalies. Last evaluated: 2025-12-20. Review status: criteria provided, single submitter. Criteria: DASA Assertion Criteria. Collection method: clinical testing. Allele origin: germline.
Comment: NM_032656.4(DHX37):c.3086G>C (p.Arg1029Pro) is a missense variant that results in the substitution of arginine with proline. This variant is rare in population databases. Computational prediction algorithms are consistent with a benign effect. The currently available literature and clinical evidence are not sufficient to establish a definitive association between this variant and the reported condition. Therefore, this variant is classified as a variant of uncertain significance.

Ambry Genetics
Classification: Uncertain significance for Inborn genetic diseases. Last evaluated: 2023-08-22. Review status: criteria provided, single submitter. Criteria: Ambry Variant Classification Scheme 2023. Collection method: clinical testing. Allele origin: germline.